The following is an entry in ClinVar:

ClinVar aggregate classification (germline): Uncertain significance. Review status: criteria provided, multiple submitters, no conflicts (2 of 4 stars). 4 submissions from 4 submitters: Uncertain significance (4). Last evaluated 2023-11-20.

Conditions:
Inborn genetic diseases. Identifiers: MedGen C0950123, MeSH D030342.
Autosomal recessive spastic paraplegia type 78. Identifiers: Orphanet 513436, MedGen C5567893, MONDO:0014975, OMIM 617225.
Kufor-Rakeb syndrome (KRS). Also called: PARKINSON DISEASE 9, AUTOSOMAL RECESSIVE, JUVENILE-ONSET. Identifiers: Orphanet 306674, Orphanet 314632, MedGen C1847640, MONDO:0011706, OMIM 606693.

Allele frequency attached by ClinVar (database versions not stated): gnomAD 0.00002; gnomAD exomes 0.00002; TOPMed 0.00002; ExAC 0.00003.
gnomAD v4.1: 43 of 1,613,318 alleles (0.0027%); highest among the groups gnomAD compares: African/African-American, 0.0053%; no homozygotes.

Submissions (4):

Ambry Genetics
Classification: Uncertain significance for Inborn genetic diseases. Last evaluated: 2023-11-20. Review status: criteria provided, single submitter. Criteria: Ambry Variant Classification Scheme 2023. Collection method: clinical testing. Allele origin: germline.

Labcorp Genetics (formerly Invitae), Labcorp
Classification: Uncertain significance for Kufor-Rakeb syndrome; Autosomal recessive spastic paraplegia type 78. Last evaluated: 2021-08-28. Review status: criteria provided, single submitter. Criteria: Invitae Variant Classification Sherloc (09022015). Collection method: clinical testing. Allele origin: germline.
Comment: This sequence change replaces arginine with histidine at codon 627 of the ATP13A2 protein (p.Arg627His). The arginine residue is moderately conserved and there is a small physicochemical difference between arginine and histidine. This variant is present in population databases (rs756516383, ExAC 0.01%). This variant has not been reported in the literature in individuals affected with ATP13A2-related conditions. Algorithms developed to predict the effect of missense changes on protein structure and function output the following: SIFT: "Deleterious"; PolyPhen-2: "Benign"; Align-GVGD: "Class C0". The histidine amino acid residue is found in multiple mammalian species, which suggests that this missense change does not adversely affect protein function. In summary, the available evidence is currently insufficient to determine the role of this variant in disease. Therefore, it has been classified as a Variant of Uncertain Significance.

ARUP Laboratories, Molecular Genetics and Genomics, ARUP Laboratories
Classification: Uncertain significance. Last evaluated: 2020-05-05. Review status: criteria provided, single submitter. Criteria: ARUP Molecular Germline Variant Investigation Process. Collection method: clinical testing. Allele origin: germline.

Revvity Omics, Revvity
Classification: Uncertain significance. Last evaluated: 2019-04-12. Review status: criteria provided, single submitter. Criteria: ACMG Guidelines, 2015. Collection method: clinical testing. Allele origin: germline.

NM_022089.4(ATP13A2):c.1880G>A (p.Arg627His)

Gene: ATP13A2 (ATPase cation transporting 13A2; minus strand). Cytogenetic location: 1p36.13.
Variant type: single nucleotide variant.
Coding change: c.1880G>A on transcript NM_022089.4 (MANE Select); coding-DNA position 1880, G replaced by A.
Protein change: p.Arg627His; replaces arginine 627 with histidine.
Molecular consequence: missense variant.
Genome position (GRCh38, 1-based): chr1:16,992,368, C>T on the plus strand (G>A on the coding strand, the complement: ATP13A2 is on the minus strand). VCF-style: chr1-16992368-C-T. GRCh37 (hg19) VCF-style: chr1-17318863-C-T.
Other names: c.1865G>A, p.Arg622His (NM_001141973.3, NM_001141974.3); c.1880G>A (NM_022089.2); short protein forms R627H, R622H.
Identifiers: ClinVar variation 935221 (VCV000935221.15), dbSNP rs756516383, ClinGen allele CA637044.